The following is an entry in ClinVar:

ClinVar aggregate classification (germline): Uncertain significance (1 of 4 stars; one submission).

Allele frequency attached by ClinVar (database versions not stated): gnomAD exomes 0.00001.
gnomAD v4.1: 13 of 1,613,768 alleles (0.00081%); highest among the groups gnomAD compares: Non-Finnish European, 0.0011%; no homozygotes.

Submission:

GeneDx
Classification: Uncertain significance. Last evaluated: 2021-04-08. Review status: criteria provided, single submitter. Criteria: GeneDx Variant Classification Process June 2021. Collection method: clinical testing. Allele origin: germline. Affected: yes.
Comment: Not observed in large population cohorts (Lek et al., 2016); In silico analysis supports that this missense variant has a deleterious effect on protein structure/function; Has not been previously published as pathogenic or benign to our knowledge

NM_002291.3(LAMB1):c.4733C>A (p.Ala1578Asp)

Gene: LAMB1 (laminin subunit beta 1; minus strand). Cytogenetic location: 7q31.1.
Variant type: single nucleotide variant.
Coding change: c.4733C>A on transcript NM_002291.3 (MANE Select); coding-DNA position 4733, C replaced by A.
Protein change: p.Ala1578Asp; replaces alanine 1578 with aspartic acid.
Molecular consequence: missense variant.
Genome position (GRCh38, 1-based): chr7:107,929,424, G>T on the plus strand (C>A on the coding strand, the complement: LAMB1 is on the minus strand). VCF-style: chr7-107929424-G-T. GRCh37 (hg19) VCF-style: chr7-107569869-G-T.
Other names: short protein forms A1578D.
Identifiers: ClinVar variation 1314422 (VCV001314422.2), dbSNP rs2116320181, ClinGen allele CA368862484.
Genomic context (GRCh38, chr7:107,929,424, plus strand): 5'-ATGATAGATACACAAAATAAGCCCCTTAGATGCCATGTCTTTAGATACCTTGCTCTTTTA[G>T]CTTCTTCTAACAACATCTCAGCTCTGGCAATGTCAGCAGCACTATGCTGAAGAATAACCT-3'
Protein context (NP_002282.2, residues 1568-1588): IARAEMLLEE[Ala1578Asp]KRASKSATDV